The following is an entry in ClinVar:

ClinVar aggregate classification (germline): Uncertain significance. Review status: criteria provided, multiple submitters, no conflicts (2 of 4 stars). 3 submissions from 3 submitters: Uncertain significance (3). Last evaluated 2024-03-12.

Conditions:
Neuropathy, hereditary sensory and autonomic, type 2A (HSAN2A). Also called: ACROOSTEOLYSIS, GIACCAI TYPE; ACROOSTEOLYSIS, NEUROGENIC; HSAN IIA; WNK1-Related HSAN2 (HSAN2A); MORVAN DISEASE; NEUROPATHY, CONGENITAL SENSORY. Identifiers: Orphanet 970, MedGen C2752089, MONDO:0024309, OMIM 201300.
Generalized epilepsy with febrile seizures plus, type 7 (GEFSP7). Also called: GEFS+, TYPE 7. Identifiers: Orphanet 36387, MedGen C2751778, MONDO:0013470, OMIM 613863.
Primary erythromelalgia. Also called: SCN9A Erythromelalgia (SCN9A-EM); primary erythermalgia. Identifiers: Orphanet 306577, Orphanet 90026, MedGen C0014805, MONDO:0007571, OMIM 133020.
Channelopathy-associated congenital insensitivity to pain, autosomal recessive. Also called: ASYMBOLIA FOR PAIN; Insensitivity to pain, channelopathy-associated; CONGENITAL ANALGESIA, AUTOSOMAL RECESSIVE. Identifiers: Orphanet 88642, Orphanet 970, MedGen C1855739, MONDO:0009459, OMIM 243000.
Paroxysmal extreme pain disorder (PEXPD). Also called: SCN9A Paroxysmal Extreme Pain Disorder (SCN9A-PEPD); PAIN, SUBMANDIBULAR, OCULAR, AND RECTAL, WITH FLUSHING; RECTAL PAIN, FAMILIAL. Identifiers: Orphanet 46348, MedGen C1833661, MONDO:0008179, OMIM 167400.

gnomAD v4.1: 3 of 1,610,704 alleles (0.00019%); highest among the groups gnomAD compares: African/African-American, 0.0013%; no homozygotes.

Submissions (3):

GeneDx
Classification: Uncertain significance. Last evaluated: 2024-03-12. Review status: criteria provided, single submitter. Criteria: GeneDx Variant Classification Process June 2021. Collection method: clinical testing. Allele origin: germline. Affected: yes.
Comment: In silico analysis supports that this missense variant does not alter protein structure/function; Has not been previously published as pathogenic or benign to our knowledge

Labcorp Genetics (formerly Invitae), Labcorp
Classification: Uncertain significance for Neuropathy, hereditary sensory and autonomic, type 2A; Generalized epilepsy with febrile seizures plus, type 7. Last evaluated: 2023-06-09. Review status: criteria provided, single submitter. Criteria: Invitae Variant Classification Sherloc (09022015). Collection method: clinical testing. Allele origin: germline.
Comment: ClinVar contains an entry for this variant (Variation ID: 840205). This variant has not been reported in the literature in individuals affected with SCN9A-related conditions. This variant is present in population databases (no rsID available, gnomAD 0.03%). This sequence change replaces valine, which is neutral and non-polar, with isoleucine, which is neutral and non-polar, at codon 13 of the SCN9A protein (p.Val13Ile). Advanced modeling of protein sequence and biophysical properties (such as structural, functional, and spatial information, amino acid conservation, physicochemical variation, residue mobility, and thermodynamic stability) has been performed at Invitae for this missense variant, however the output from this modeling did not meet the statistical confidence thresholds required to predict the impact of this variant on SCN9A protein function. In summary, the available evidence is currently insufficient to determine the role of this variant in disease. Therefore, it has been classified as a Variant of Uncertain Significance.

Fulgent Genetics
Classification: Uncertain significance for Primary erythromelalgia; Paroxysmal extreme pain disorder; Neuropathy, hereditary sensory and autonomic, type 2A; Channelopathy-associated congenital insensitivity to pain, autosomal recessive. Last evaluated: 2021-07-30. Review status: criteria provided, single submitter. Criteria: ACMG Guidelines, 2015. Collection method: clinical testing. Allele origin: unknown.

NM_001365536.1(SCN9A):c.37G>A (p.Val13Ile)

Gene: SCN9A (sodium voltage-gated channel alpha subunit 9; minus strand). Cytogenetic location: 2q24.3.
Variant type: single nucleotide variant.
Coding change: c.37G>A on transcript NM_001365536.1 (MANE Select); coding-DNA position 37, G replaced by A.
Protein change: p.Val13Ile; replaces valine 13 with isoleucine.
Molecular consequence: missense variant.
Genome position (GRCh38, 1-based): chr2:166,311,720, C>T on the plus strand (G>A on the coding strand, the complement: SCN9A is on the minus strand). VCF-style: chr2-166311720-C-T. GRCh37 (hg19) VCF-style: chr2-167168230-C-T.
Other names: c.37G>A, p.Val13Ile (NM_002977.4); short protein forms V13I.
Identifiers: ClinVar variation 840205 (VCV000840205.12), dbSNP rs779738791, ClinGen allele CA349096246.